The following is an entry in ClinVar:

NM_001134407.3(GRIN2A):c.2197G>A (p.Ala733Thr)

Gene: GRIN2A (glutamate ionotropic receptor NMDA type subunit 2A; minus strand). Cytogenetic location: 16p13.2.
Variant type: single nucleotide variant.
Coding change: c.2197G>A on transcript NM_001134407.3 (MANE Select); coding-DNA position 2197, G replaced by A.
Protein change: p.Ala733Thr; replaces alanine 733 with threonine.
Molecular consequence: missense variant.
Genome position (GRCh38, 1-based): chr16:9,798,436, C>T on the plus strand (G>A on the coding strand, the complement: GRIN2A is on the minus strand). VCF-style: chr16-9798436-C-T. GRCh37 (hg19) VCF-style: chr16-9892293-C-T.
Other names: p.A733T:GCA>ACA; c.2197G>A, p.Ala733Thr (NM_000833.5, NM_001134408.2); short protein forms A733T.
Identifiers: ClinVar variation 205658 (VCV000205658.18), dbSNP rs796052550, ClinGen allele CA314949.
Genomic context (GRCh38, chr16:9,798,436, plus strand): 5'-CACTCCCGATGGTCACCAGCTTGCAGCCTTCATCCCTCCCAGCCTTGTAATTCAAGACTG[C>T]GGCATCGTAGATGAAAGCGTCCAGCTTCCTGAAATGACAAGAAACCAGGGGGTCATAGGG-3'
Protein context (NP_001127879.1, residues 723-743): GKLDAFIYDA[Ala733Thr]VLNYKAGRDE

ClinVar aggregate classification (germline): Conflicting classifications of pathogenicity. Review status: criteria provided, conflicting classifications (1 of 4 stars). 4 submissions from 4 submitters: Pathogenic (1); Likely pathogenic (1); Uncertain significance (2). Last evaluated 2025-03-10.

Conditions:
Landau-Kleffner syndrome (FESD). Also called: EPILEPSY, FOCAL, WITH SPEECH DISORDER AND WITH OR WITHOUT MENTAL RETARDATION; APHASIA, ACQUIRED, WITH EPILEPSY. Identifiers: Orphanet 1945, Orphanet 725, Orphanet 98818, MedGen C0282512, MONDO:0009509, OMIM 245570.

Submissions (4):

GeneDx
Classification: Pathogenic. Last evaluated: 2025-03-10. Review status: criteria provided, single submitter. Criteria: GeneDx Variant Classification Process June 2021. Collection method: clinical testing. Allele origin: germline. Affected: yes.
Comment: Reported as a de novo variant in a patient with an unknown phenotype in published literature (PMID: 30544257); Not observed at significant frequency in large population cohorts (gnomAD); In silico analysis supports that this missense variant has a deleterious effect on protein structure/function; This variant is associated with the following publications: (PMID: 29655203, 30544257, 35217385, 27839871)

Labcorp Genetics (formerly Invitae), Labcorp
Classification: Uncertain significance for Landau-Kleffner syndrome. Last evaluated: 2022-05-31. Review status: criteria provided, single submitter. Criteria: Invitae Variant Classification Sherloc (09022015). Collection method: clinical testing. Allele origin: germline.
Comment: This sequence change replaces alanine, which is neutral and non-polar, with threonine, which is neutral and polar, at codon 733 of the GRIN2A protein (p.Ala733Thr). This variant is not present in population databases (gnomAD no frequency). This missense change has been observed in individual(s) with GRIND2A-related conditions (PMID: 29655203). ClinVar contains an entry for this variant (Variation ID: 205658). Advanced modeling of protein sequence and biophysical properties (such as structural, functional, and spatial information, amino acid conservation, physicochemical variation, residue mobility, and thermodynamic stability) performed at Invitae indicates that this missense variant is expected to disrupt GRIN2A protein function. In summary, the available evidence is currently insufficient to determine the role of this variant in disease. Therefore, it has been classified as a Variant of Uncertain Significance.

Institute of Human Genetics, University of Leipzig Medical Center
Classification: Likely pathogenic for Landau-Kleffner syndrome. Last evaluated: 2019-01-01. Review status: criteria provided, single submitter. Criteria: ACMG Guidelines, 2015. Collection method: research. Allele origin: de novo. Affected: yes.

Center of Genomic medicine, Geneva, University Hospital of Geneva
Classification: Uncertain significance for Landau-Kleffner syndrome. Last evaluated: 2018-01-04. Review status: criteria provided, single submitter. Criteria: ACMG Guidelines, 2015. Collection method: clinical testing. Allele origin: germline. Affected: yes. Observed: 1 variant allele.

Literature cited by the submitters: PubMed 29655203 (cited by Labcorp Genetics (formerly Invitae), Labcorp); PubMed 30544257 (cited by Institute of Human Genetics, University of Leipzig Medical Center).